The following is an entry in ClinVar:

NM_001323289.2(CDKL5):c.533G>A (p.Arg178Gln)

Gene: CDKL5 (cyclin dependent kinase like 5; plus strand). Cytogenetic location: Xp22.13.
Variant type: single nucleotide variant.
Coding change: c.533G>A on transcript NM_001323289.2 (MANE Select); coding-DNA position 533, G replaced by A.
Protein change: p.Arg178Gln; replaces arginine 178 with glutamine.
Molecular consequence: missense variant.
Genome position (GRCh38, 1-based): chrX:18,584,332, G>A. VCF-style: chrX-18584332-G-A. GRCh37 (hg19) VCF-style: chrX-18602452-G-A.
Other names: p.R178Q:CGG>CAG; NP_001310218.1:p.(Arg178Gln); NM_001323289.2(CDKL5):c.533G>A; c.533G>A, p.Arg178Gln (NM_001037343.2, NM_003159.3); short protein forms R178Q.
Identifiers: ClinVar variation 94113 (VCV000094113.37), dbSNP rs267606715, ClinGen allele CA199289.
Genomic context (GRCh38, chrX:18,584,332, plus strand): 5'-GTAATCTGTCAGAAGGCAATAATGCTAATTACACAGAGTACGTTGCCACCAGATGGTATC[G>A]GTCCCCAGAACTCTTACTTGGGTGAGTTACCGTCCCAAAATAGAATGACATTTCCACATC-3'
Protein context (NP_001310218.1, residues 168-188): YTEYVATRWY[Arg178Gln]SPELLLGAPY

ClinVar aggregate classification (germline): Pathogenic. Review status: reviewed by expert panel (3 of 4 stars). 16 submissions from 16 submitters: Pathogenic (1). 15 of the submissions do not count toward it. Last evaluated 2021-03-25.

Conditions:
CDKL5 disorder. Identifiers: MedGen CN296942, MONDO:0100039.
West syndrome. Also called: Infantile epileptic spasms syndrome. Identifiers: Orphanet 3451, Orphanet 697160, MedGen C0037769, MONDO:0018097. Disease mechanism: loss of function.
Angelman syndrome-like. Identifiers: MedGen CN128785.
Developmental and epileptic encephalopathy, 2 (DEE2). Also called: CDKL5 deficiency disorder; INFANTILE SPASM SYNDROME, X-LINKED 2. Identifiers: Orphanet 1934, Orphanet 3451, Orphanet 505652, MedGen C4750718, MONDO:0010396, OMIM 300672.
CDKL5-related disorder.

Submissions 1 to 9 of 16:

ClinGen Rett and Angelman-like Disorders Variant Curation Expert Panel
Classification: Pathogenic for CDKL5 disorder. Last evaluated: 2021-03-25. Review status: reviewed by expert panel. Criteria: ClinGen RettAS ACMG Specifications V1. Collection method: curation. Allele origin: germline. Inheritance: X-linked inheritance.
Comment: The p.Arg178Gln variant in CDKL5 has been reported in at least 4 de novo occurrences (biological parentage unconfirmed) in patients with CDKL5 disorder (PMID 26482601, 21770923, 29852413, 29190809, 24564546, 26482601) (PM6_very strong). The variant was present in the mosaic state in one patient, confirming its de novo nature (PMID 26482601) (PS2). The p.Arg178Gln variant in CDKL5 has been reported in at least 7 other individuals with CDKL5 disorder (PMID 26482601, 21770923, 29852413, 29190809, 24564546) (PS4). Multiple pathogenic missense variants have been previously identified within this codon which indicates that this residue is critical to the function of the protein (PMID 29100083, 22430159, 19793311, 18809835, 30182498) (PM5_strong). The p.Arg178Gln variant in CDKL5 is absent from gnomAD (PM2_supporting). In summary, the p.Arg178Gln variant in CDKL5 is classified as Pathogenic for CDKL5 disorder based on the ACMG/AMP criteria (PM6_very strong, PS2, PS4, PM5_strong, PM2_supporting).

3billion
Classification: Pathogenic for Developmental and epileptic encephalopathy, 2. Last evaluated: 2025-02-21. Review status: criteria provided, single submitter. Criteria: ACMG Guidelines, 2015. Collection method: clinical testing. Allele origin: germline. Affected: yes. Not counted in ClinVar's aggregate classification.
Comment: The variant is not observed in the gnomAD v4.1.0 dataset. Predicted Consequence/Location: Missense variant In silico tool predictions suggest damaging effect of the variant on gene or gene product [REVEL: 0.75 (>=0.6, sensitivity 0.68 and specificity 0.92); 3Cnet: 0.93 (>=0.6, sensitivity 0.72 and precision 0.9)]. The same nucleotide change resulting in the same amino acid change has been previously reported as pathogenic/likely pathogenic with strong evidence (ClinVar ID: VCV000094113 /PMID: 21770923 /3billion dataset). The variant has been previously reported as de novo in at least two similarly affected unrelated individuals (PMID: 21770923, 26482601, 27081548). The variant has been observed in multiple (>3) similarly affected unrelated individuals (PMID: 21770923, 24564546, 26482601, 29190809, 29852413). The variant has been previously reported as assumed (i.e. paternity and maternity not confirmed) de novo in at least one similarly affected unrelated individual (PMID: 21770923, 24564546, 26482601, 29190809, 29852413). Different missense changes at the same codon (p.Arg178Gly, p.Arg178Leu, p.Arg178Pro, p.Arg178Trp) have been reported as pathogenic/likely pathogenic with strong evidence (ClinVar ID: VCV000018450, VCV000143823, VCV001071237, VCV002159555 /PMID: 18809835, 19793311, 30182498). Therefore, this variant is classified as Pathogenic according to the recommendation of ACMG/AMP guideline.

Labcorp Genetics (formerly Invitae), Labcorp
Classification: Pathogenic for Developmental and epileptic encephalopathy, 2; Angelman syndrome-like. Last evaluated: 2024-11-18. Review status: criteria provided, single submitter. Criteria: Invitae Variant Classification Sherloc (09022015). Collection method: clinical testing. Allele origin: germline. Not counted in ClinVar's aggregate classification.
Comment: This sequence change replaces arginine, which is basic and polar, with glutamine, which is neutral and polar, at codon 178 of the CDKL5 protein (p.Arg178Gln). This variant is not present in population databases (gnomAD no frequency). This missense change has been observed in individual(s) with CDKL5-related conditions (PMID: 21770923, 24564546, 26482601, 29190809). In at least one individual the variant was observed to be de novo. ClinVar contains an entry for this variant (Variation ID: 94113). Invitae Evidence Modeling of protein sequence and biophysical properties (such as structural, functional, and spatial information, amino acid conservation, physicochemical variation, residue mobility, and thermodynamic stability) indicates that this missense variant is expected to disrupt CDKL5 protein function with a positive predictive value of 80%. This variant disrupts the p.Arg178 amino acid residue in CDKL5. Other variant(s) that disrupt this residue have been determined to be pathogenic (PMID: 19362436, 19793311, 22678952, 25657822). This suggests that this residue is clinically significant, and that variants that disrupt this residue are likely to be disease-causing. For these reasons, this variant has been classified as Pathogenic.

Servicio de Genética Del Instituto Nacional de Salud Del Niño, Ministerio de Salud
Classification: Pathogenic for Developmental and epileptic encephalopathy, 2. Last evaluated: 2024-11-18. Review status: criteria provided, single submitter. Criteria: ACMG Guidelines, 2015. Collection method: clinical testing. Allele origin: germline. Inheritance: Autosomal dominant inheritance. Affected: yes. Not counted in ClinVar's aggregate classification.
Comment: The variant NM_001323289.2:c.533G>A (p.Arg178Gln) results in an arginine-to-glutamine substitution at codon 178. According to ACMG/AMP guidelines, this variant meets the criteria for PS4, PS2, PM5, PM2, PM1, PP3, and PP5, supporting its classification as pathogenic

Centre for Population Genomics, CPG
Classification: Pathogenic for CDKL5 disorder. Last evaluated: 2024-07-12. Review status: criteria provided, single submitter. Criteria: McKnight et al. (Hum Mutat. 2022). Collection method: curation. Allele origin: germline. Inheritance: X-linked inheritance. Not counted in ClinVar's aggregate classification.
Comment: This variant has been collected from RettBASE and curated to current modified ACMG/AMP criteria. Based on the classification scheme defined by the ClinGen Rett/Angelman-like Expert Panel for Rett/AS-like Disorders Specifications to the ACMG/AMP Variant Interpretation Guidelines VCEP 3.0, this variant is classified as pathogenic. At least the following criteria are met: This variant has been identified as a de novo occurrence in an individual with CDKL5 disorder with confirmed parental relationships (PS2) PMID 26482601 Has been observed in at least 5 individuals with phenotypes consistent with CDKL5 disorder (PS4). PMID 26482601, 21770923, 29852413, 29190809, 24564546, Variation ID: 94113 This variant has been identified as a de novo occurrence in>=4 individuals with CDKL5 disorder syndrome without confirmation of paternity and maternity (PM6_very strong). PMID 26482601, 21770923, 29852413, 29190809, 24564546, 26482601 This variant is absent from gnomAD (PM2_Supporting).

Revvity Omics, Revvity
Classification: Pathogenic for Developmental and epileptic encephalopathy, 2. Last evaluated: 2023-12-29. Review status: criteria provided, single submitter. Criteria: ACMG Guidelines, 2015. Collection method: clinical testing. Allele origin: germline. Not counted in ClinVar's aggregate classification.

Unidad de Genómica Garrahan, Hospital de Pediatría Garrahan
Classification: Pathogenic for West syndrome. Last evaluated: 2023-12-15. Review status: criteria provided, single submitter. Criteria: ACMG Guidelines, 2015. Collection method: clinical testing. Allele origin: de novo. Affected: yes. Observed: 1 variant allele. Not counted in ClinVar's aggregate classification.

Blueprint Genetics
Classification: Pathogenic for CDKL5-related disorders. Last evaluated: 2023-11-09. Review status: criteria provided, single submitter. Criteria: ACMG Guidelines, 2015. Collection method: clinical testing. Allele origin: de novo. Affected: yes. Observed: 1 variant allele. Not counted in ClinVar's aggregate classification.

Neuberg Centre For Genomic Medicine, NCGM
Classification: Pathogenic for Developmental and epileptic encephalopathy, 2. Last evaluated: 2023-06-22. Review status: criteria provided, single submitter. Criteria: ACMG Guidelines, 2015. Collection method: clinical testing. Allele origin: germline. Inheritance: Autosomal dominant inheritance. Affected: yes. Not counted in ClinVar's aggregate classification.
Comment: The observed missense variant c.533G>A(p.Arg178Gln) in CDKL5 gene has been reported previously in multiple individual(s) with CDKL5-related conditions. This variant disrupts the p.Arg178 amino acid residue in CDKL5. Other variant(s) that disrupt this residue have been determined to be pathogenic (MacKay CI, et al., 2021; Ortega-Moreno L, et al., 2017; Fehr S, et al., 2015; Bahi-Buisson N, et al., 2012). This suggests that this residue is clinically significant, and that variants that disrupt this residue are likely to be disease-causing. This variant is absent in the gnomAD Exomes. This variant has been reported to the ClinVar database as Pathogenic by mulitple submitters and is also reviewed as pathogenic by expert panel (FDA recognized database). The amino acid Arg at position 178 is changed to a Gln changing protein sequence and it might alter its composition and physico-chemical properties. Multiple lines of computational evidence (Polyphen - Possibly damaging, SIFT – Damaging and MutationTaster - Disease causing) predict a damaging effect on protein structure and function for this variant. The residue is conserved by GERP++ and PhyloP across 100 vertebrates. For these reasons, this variant has been classified as Pathogenic.